The following is an entry in ClinVar:

ClinVar aggregate classification (germline): Benign/Likely benign. Review status: criteria provided, multiple submitters, no conflicts (2 of 4 stars). 5 submissions from 5 submitters: Benign (1); Likely benign (4). Last evaluated 2026-08-01.

Conditions:
C1S-related disorder. Also called: C1S-related condition.

Allele frequency attached by ClinVar (database versions not stated): gnomAD exomes 0.00021 and 0.00035; 1000 Genomes Project 30x 0.00031; 1000 Genomes Project 0.00040; ExAC 0.00049.

Submissions (5):

CeGaT Center for Human Genetics Tuebingen
Classification: Likely benign. Last evaluated: 2026-08-01. Review status: criteria provided, single submitter. Criteria: CeGaT Center For Human Genetics Tuebingen Variant Classification Criteria Version 2. Collection method: clinical testing. Allele origin: germline. Affected: yes. Observed: 1 variant allele.
Comment: C1S: BP4, BS1

PreventionGenetics, part of Exact Sciences
Classification: Likely benign for C1S-related condition. Last evaluated: 2026-06-30. Review status: criteria provided, single submitter. Criteria: ACMG Guidelines, 2015. Collection method: clinical testing. Allele origin: germline.
Comment: This variant is classified as likely benign based on ACMG/AMP sequence variant interpretation guidelines (Richards et al. 2015 PMID: 25741868, with internal and published modifications).

Women's Health and Genetics/Laboratory Corporation of America, LabCorp
Classification: Likely benign. Last evaluated: 2026-04-06. Review status: criteria provided, single submitter. Criteria: LabCorp Variant Classification Summary - May 2015. Collection method: clinical testing. Allele origin: germline.

Labcorp Genetics (formerly Invitae), Labcorp
Classification: Benign. Last evaluated: 2025-01-23. Review status: criteria provided, single submitter. Criteria: Invitae Variant Classification Sherloc (09022015). Collection method: clinical testing. Allele origin: germline.

Blueprint Genetics
Classification: Likely benign. Last evaluated: 2024-01-18. Review status: criteria provided, single submitter. Criteria: ACMG Guidelines, 2015. Collection method: clinical testing. Allele origin: germline.

NM_001734.5(C1S):c.391+7C>T

Gene: C1S (complement C1s; plus strand). Cytogenetic location: 12p13.31.
Variant type: single nucleotide variant.
Coding change: c.391+7C>T on transcript NM_001734.5 (MANE Select); 7 bases into the intron after coding-DNA position 391, C replaced by T.
Molecular consequence: intron variant.
Genome position (GRCh38, 1-based): chr12:7,063,074, C>T. VCF-style: chr12-7063074-C-T. GRCh37 (hg19) VCF-style: chr12-7170378-C-T.
Other names: c.391+7C>T (NM_201442.3, NM_201442.4); c.-111+7C>T (NM_001346850.2).
Identifiers: ClinVar variation 1655156 (VCV001655156.12), dbSNP rs376188542, ClinGen allele CA6423385.